The following is an entry in ClinVar:

ClinVar aggregate classification (germline): Uncertain significance (1 of 4 stars; one submission).

Conditions:
Immunodeficiency 67. Also called: Immunodeficiency due to interleukin-1 receptor-associated kinase-4 deficiency. Identifiers: Orphanet 70592, MedGen C1843256, MONDO:0011888, OMIM 607676.

gnomAD v4.1: 5 of 1,613,528 alleles (0.00031%); highest among the groups gnomAD compares: African/African-American, 0.0053%; no homozygotes.

Submission:

Labcorp Genetics (formerly Invitae), Labcorp
Classification: Uncertain significance for Immunodeficiency 67. Last evaluated: 2025-01-02. Review status: criteria provided, single submitter. Criteria: Invitae Variant Classification Sherloc (09022015). Collection method: clinical testing. Allele origin: germline.
Comment: This sequence change replaces alanine, which is neutral and non-polar, with threonine, which is neutral and polar, at codon 335 of the IRAK4 protein (p.Ala335Thr). This variant is present in population databases (no rsID available, gnomAD 0.008%). This variant has not been reported in the literature in individuals affected with IRAK4-related conditions. Invitae Evidence Modeling of protein sequence and biophysical properties (such as structural, functional, and spatial information, amino acid conservation, physicochemical variation, residue mobility, and thermodynamic stability) indicates that this missense variant is not expected to disrupt IRAK4 protein function with a negative predictive value of 80%. In summary, the available evidence is currently insufficient to determine the role of this variant in disease. Therefore, it has been classified as a Variant of Uncertain Significance.

NM_016123.4(IRAK4):c.1003G>A (p.Ala335Thr)

Gene: IRAK4 (interleukin 1 receptor associated kinase 4; plus strand). Cytogenetic location: 12q12.
Variant type: single nucleotide variant.
Coding change: c.1003G>A on transcript NM_016123.4 (MANE Select); coding-DNA position 1003, G replaced by A.
Protein change: p.Ala335Thr; replaces alanine 335 with threonine.
Molecular consequence: missense variant.
Genome position (GRCh38, 1-based): chr12:43,782,368, G>A. VCF-style: chr12-43782368-G-A. GRCh37 (hg19) VCF-style: chr12-44176171-G-A.
Other names: c.1003G>A, p.Ala335Thr (NM_001114182.3, NM_001351345.2); c.631G>A, p.Ala211Thr (NM_001145256.2, NM_001145257.2, NM_001145258.2 and 5 more transcripts); c.394G>A, p.Ala132Thr (NM_001351343.2, NM_001351344.2); short protein forms A132T, A335T, A211T.
Identifiers: ClinVar variation 3704481 (VCV003704481.2).
Genomic context (GRCh38, chr12:43,782,368, plus strand): 5'-GCAAATATCTTACTGGATGAAGCTTTTACTGCTAAAATATCTGACTTTGGCCTTGCACGG[G>A]CTTCTGAGAAGTTTGCCCAGACAGTCATGACTAGCAGAATTGTGGGAACAACAGCTTATA-3'
Protein context (NP_057207.2, residues 325-345): AKISDFGLAR[Ala335Thr]SEKFAQTVMT